The following is an entry in ClinVar:

NM_000277.3(PAH):c.963C>T (p.Leu321=)

Gene: PAH (phenylalanine hydroxylase; minus strand). Cytogenetic location: 12q23.2.
Variant type: single nucleotide variant.
Coding change: c.963C>T on transcript NM_000277.3 (MANE Select); coding-DNA position 963, C replaced by T.
Protein change: p.Leu321=; no amino-acid change (leucine 321 retained).
Molecular consequence: synonymous variant.
Genome position (GRCh38, 1-based): chr12:102,846,901, G>A on the plus strand (C>T on the coding strand, the complement: PAH is on the minus strand). VCF-style: chr12-102846901-G-A. GRCh37 (hg19) VCF-style: chr12-103240679-G-A.
Other names: NM_000277.2(PAH):c.963C>T; c.963C>T, p.Leu321= (NM_001354304.2).
Identifiers: ClinVar variation 102911 (VCV000102911.20), dbSNP rs61747292, ClinGen allele CA229873.
Genomic context (GRCh38, chr12:102,846,901, plus strand): 5'-GAGGGCCATAGCCTATAGCACTCCACCATCCACCCAGGGAGAGAAGGGACTTACTGTGGC[G>A]AGCTTTTCAATGTATTCATCAGGTGCACCCAGAGAGGCAAGGCCAATTTCCTGTAATTGG-3'
Protein context (NP_000268.1, residues 311-331): LGAPDEYIEK[Leu321=]ATIYWFTVEF

ClinVar aggregate classification (germline): Benign. Review status: reviewed by expert panel (3 of 4 stars). 9 submissions from 9 submitters: Benign (1). 8 of the submissions do not count toward it. Last evaluated 2018-07-29.

Conditions:
Phenylketonuria (PKU). Also called: Phenylketonuria (PKU); FOLLING DISEASE; OLIGOPHRENIA PHENYLPYRUVICA; Phenylketonurias. Identifiers: Orphanet 716, MedGen C0031485, MONDO:0009861, OMIM 261600. Disease mechanism: loss of function.

Allele frequency attached by ClinVar (database versions not stated): gnomAD 0.01582 and 0.01457; ESP Exome Variant Server 0.01753; 1000 Genomes Project 0.01438; 1000 Genomes Project 30x 0.01452; TOPMed 0.01670.
gnomAD v4.1: 4,473 of 1,613,290 alleles (0.28%); highest among the groups gnomAD compares: African/African-American, 5.3%; 123 homozygotes.

Submissions (9):

ClinGen PAH Variant Curation Expert Panel
Classification: Benign for Phenylketonuria. Last evaluated: 2018-07-29. Review status: reviewed by expert panel. Criteria: ClinGen PAH ACMG Specifications v1. Collection method: curation. Allele origin: germline. Inheritance: Autosomal recessive inheritance.
Comment: PAH-specific ACMG/AMP criteria applied: BS1: >0.02% as set by the PAH specific specifications; BP7: ; BS3_Supporting: cDNA method demonstrates 98% and intinic system demonstrates 81% residual enzyme activity; BS2: 38 homozygotes in gnomAD. In summary this variant meets criteria to be classified as benign for phenylketonuria in an autosomal recessive manner based on the ACMG/AMP criteria applied as specified by the PAH Expert Panel: (BS1, BP7, BS3_Supporting, BS2).

Labcorp Genetics (formerly Invitae), Labcorp
Classification: Benign for Phenylketonuria. Last evaluated: 2026-02-04. Review status: criteria provided, single submitter. Criteria: Invitae Variant Classification Sherloc (09022015). Collection method: clinical testing. Allele origin: germline. Not counted in ClinVar's aggregate classification.

Women's Health and Genetics/Laboratory Corporation of America, LabCorp
Classification: Benign. Last evaluated: 2019-06-17. Review status: criteria provided, single submitter. Criteria: LabCorp Variant Classification Summary - May 2015. Collection method: clinical testing. Allele origin: germline. Not counted in ClinVar's aggregate classification.
Comment: Variant summary: PAH c.963C>T alters a non-conserved nucleotide resulting in a synonymous change. 5/5 computational tools predict no significant impact on normal splicing. However, these predictions have yet to be confirmed by functional studies. The variant allele was found at a frequency of 0.0039 in 251262 control chromosomes, predominantly at a frequency of 0.053 within the African or African-American subpopulation in the gnomAD database, including 26 homozygotes. The observed variant frequency within African or African-American control individuals in the gnomAD database is approximately 7-folds higher than the estimated maximal expected allele frequency for a pathogenic variant in PAH causing Phenylalanine Hydroxylase Deficiency (Phenylketonuria) phenotype (0.0079), strongly suggesting that the variant is a benign polymorphism found primarily in populations of African or African-American origin. Three ClinVar submissions from clinical diagnostic laboratories and an expert panel (ClinGen)(evaluation after 2014) cite the variant as benign. Based on the evidence outlined above, the variant was classified as benign.

GeneDx
Classification: Benign. Last evaluated: 2018-02-27. Review status: criteria provided, single submitter. Criteria: GeneDx Variant Classification (06012015). Collection method: clinical testing. Allele origin: germline. Affected: yes. Not counted in ClinVar's aggregate classification.
Comment: This variant is considered likely benign or benign based on one or more of the following criteria: it is a conservative change, it occurs at a poorly conserved position in the protein, it is predicted to be benign by multiple in silico algorithms, and/or has population frequency not consistent with disease.

Illumina Laboratory Services, Illumina
Classification: Likely benign for Phenylketonuria. Last evaluated: 2017-04-27. Review status: criteria provided, single submitter. Criteria: ICSL Variant Classification Criteria 13 December 2019. Collection method: clinical testing. Allele origin: germline. Not counted in ClinVar's aggregate classification.
Comment: This variant was observed as part of a predisposition screen in an ostensibly healthy population. A literature search was performed for the gene, cDNA change, and amino acid change (where applicable). No publications were found based on this search. Allele frequency data from public databases allowed determination this variant is unlikely to cause disease. Therefore, this variant is classified as likely benign.

Quest Diagnostics Nichols Institute San Juan Capistrano
Classification: Benign. Last evaluated: 2016-10-12. Review status: criteria provided, single submitter. Criteria: Quest Diagnostics criteria. Collection method: clinical testing. Allele origin: germline. Not counted in ClinVar's aggregate classification.

Breakthrough Genomics
Classification: Benign. Review status: criteria provided, single submitter. Criteria: ACMG Guidelines, 2015. Collection method: not provided. Allele origin: germline. Inheritance: Autosomal recessive inheritance. Affected: yes. Not counted in ClinVar's aggregate classification.

Natera, Inc.
Classification: Benign for Phenylketonuria. Last evaluated: 2020-09-16. Review status: no assertion criteria provided. Collection method: clinical testing. Allele origin: germline. Not counted in ClinVar's aggregate classification.

DeBelle Laboratory for Biochemical Genetics, MUHC/MCH RESEARCH INSTITUTE
No classification provided. Review status: no classification provided. Collection method: not provided. Allele origin: not provided. Not counted in ClinVar's aggregate classification.

Literature cited by the submitters: PubMed 12210276 (cited by Quest Diagnostics Nichols Institute San Juan Capistrano); PubMed 11139255 (cited by Quest Diagnostics Nichols Institute San Juan Capistrano); PubMed 18590700 (cited by Quest Diagnostics Nichols Institute San Juan Capistrano); PubMed 12644360 (cited by Quest Diagnostics Nichols Institute San Juan Capistrano); PubMed 23856132 (cited by Quest Diagnostics Nichols Institute San Juan Capistrano); PubMed 18937293 (cited by Quest Diagnostics Nichols Institute San Juan Capistrano); PubMed 16402341 (cited by Quest Diagnostics Nichols Institute San Juan Capistrano).